The following is an entry in ClinVar:

NM_172107.4(KCNQ2):c.2184C>T (p.His728=)

Gene: KCNQ2 (potassium voltage-gated channel subfamily Q member 2; minus strand). Cytogenetic location: 20q13.33.
Variant type: single nucleotide variant.
Coding change: c.2184C>T on transcript NM_172107.4 (MANE Select); coding-DNA position 2184, C replaced by T.
Protein change: p.His728=; no amino-acid change (histidine 728 retained).
Molecular consequence: synonymous variant.
Genome position (GRCh38, 1-based): chr20:63,407,079, G>A on the plus strand (C>T on the coding strand, the complement: KCNQ2 is on the minus strand). VCF-style: chr20-63407079-G-A. GRCh37 (hg19) VCF-style: chr20-62038432-G-A.
Other names: c.2100C>T, p.His700= (NM_004518.6); c.2130C>T, p.His710= (NM_172106.3); c.2091C>T, p.His697= (NM_172108.5); c.2184C>T (NM_172107.3).
Identifiers: ClinVar variation 697102 (VCV000697102.13), dbSNP rs745409657, ClinGen allele CA9958132.

ClinVar aggregate classification (germline): Likely benign. Review status: criteria provided, single submitter (1 of 4 stars). 2 submissions from 2 submitters: Likely benign (1). 1 of the submissions does not count toward it. Last evaluated 2025-10-12.

Conditions:
KCNQ2-Related Disorders. Also called: KCNQ2-related condition; KCNQ2-related disorder. Identifiers: MedGen CN169299.
Early-infantile DEE. Also called: Early infantile epileptic encephalopathy; Ohtahara syndrome; Early infantile epileptic encephalopathy with suppression bursts. Identifiers: Orphanet 1934, MedGen C0393706, MONDO:0800491.

Allele frequency attached by ClinVar (database versions not stated): gnomAD 0.00001; TOPMed 0.00002; gnomAD exomes 0.00003; ExAC 0.00011.
gnomAD v4.1: 45 of 1,529,962 alleles (0.0029%); highest among the groups gnomAD compares: Non-Finnish European, 0.0036%; no homozygotes.

Submissions (2):

Labcorp Genetics (formerly Invitae), Labcorp
Classification: Likely benign for Early-infantile DEE. Last evaluated: 2025-10-12. Review status: criteria provided, single submitter. Criteria: Invitae Variant Classification Sherloc (09022015). Collection method: clinical testing. Allele origin: germline.

PreventionGenetics, part of Exact Sciences
Classification: Likely benign for KCNQ2-related condition. Last evaluated: 2021-03-03. Review status: no assertion criteria provided. Collection method: clinical testing. Allele origin: germline. Not counted in ClinVar's aggregate classification.
Comment: This variant is classified as likely benign based on ACMG/AMP sequence variant interpretation guidelines (Richards et al. 2015 PMID: 25741868, with internal and published modifications).